The following is an entry in ClinVar:

NM_001040108.2(MLH3):c.1381A>G (p.Lys461Glu)

Gene: MLH3 (mutL homolog 3; minus strand). Cytogenetic location: 14q24.3.
Variant type: single nucleotide variant.
Coding change: c.1381A>G on transcript NM_001040108.2 (MANE Select); coding-DNA position 1381, A replaced by G.
Protein change: p.Lys461Glu; replaces lysine 461 with glutamic acid.
Molecular consequence: missense variant.
Genome position (GRCh38, 1-based): chr14:75,048,275, T>C on the plus strand (A>G on the coding strand, the complement: MLH3 is on the minus strand). VCF-style: chr14-75048275-T-C. GRCh37 (hg19) VCF-style: chr14-75514978-T-C.
Other names: c.1381A>G, p.Lys461Glu (NM_014381.3); short protein forms K461E.
Identifiers: ClinVar variation 4055490 (VCV004055490.1).

ClinVar aggregate classification (germline): Uncertain significance (1 of 4 stars; one submission).

Submission:

Ambry Genetics
Classification: Uncertain significance. Last evaluated: 2025-04-25. Review status: criteria provided, single submitter. Criteria: Ambry Variant Classification Scheme 2023. Collection method: clinical testing. Allele origin: germline.
Comment: The p.K461E variant (also known as c.1381A>G), located in coding exon 1 of the MLH3 gene, results from an A to G substitution at nucleotide position 1381. The lysine at codon 461 is replaced by glutamic acid, an amino acid with similar properties. This amino acid position is conserved. In addition, this alteration is predicted to be tolerated by in silico analysis. Based on the available evidence, the clinical significance of this variant remains unclear.